The following is an entry in ClinVar:

ClinVar aggregate classification (germline): Uncertain significance. Review status: criteria provided, single submitter (1 of 4 stars). 2 submissions from 2 submitters: Uncertain significance (1). 1 of the submissions does not count toward it. Last evaluated 2025-04-29.

Conditions:
NLGN4X-related disorder. Also called: NLGN4X-related condition.
Inborn genetic diseases. Identifiers: MedGen C0950123, MeSH D030342.

gnomAD v4.1: 1 of 1,211,537 alleles (0.000083%); no homozygotes.

Submissions (2):

Ambry Genetics
Classification: Uncertain significance for Inborn genetic diseases. Last evaluated: 2025-04-29. Review status: criteria provided, single submitter. Criteria: Ambry Variant Classification Scheme 2023. Collection method: clinical testing. Allele origin: germline.

PreventionGenetics, part of Exact Sciences
Classification: Uncertain significance for NLGN4X-related condition. Last evaluated: 2023-10-26. Review status: no assertion criteria provided. Collection method: clinical testing. Allele origin: germline. Not counted in ClinVar's aggregate classification.
Comment: The NLGN4X c.2330A>G variant is predicted to result in the amino acid substitution p.Asn777Ser. To our knowledge, this variant has not been reported in the literature or in a large population database, indicating this variant is rare. At this time, the clinical significance of this variant is uncertain due to the absence of conclusive functional and genetic evidence.

NM_181332.3(NLGN4X):c.2330A>G (p.Asn777Ser)

Gene: NLGN4X (neuroligin 4 X-linked; minus strand). Cytogenetic location: Xp22.32.
Variant type: single nucleotide variant.
Coding change: c.2330A>G on transcript NM_181332.3 (MANE Select); coding-DNA position 2330, A replaced by G.
Protein change: p.Asn777Ser; replaces asparagine 777 with serine.
Molecular consequence: missense variant.
Genome position (GRCh38, 1-based): chrX:5,892,938, T>C on the plus strand (A>G on the coding strand, the complement: NLGN4X is on the minus strand). VCF-style: chrX-5892938-T-C. GRCh37 (hg19) VCF-style: chrX-5810979-T-C.
Other names: c.2330A>G, p.Asn777Ser (NM_001282145.2, NM_001282146.2, NM_020742.4); c.2330A>G (NM_020742.2); short protein forms N777S.
Identifiers: ClinVar variation 3030276 (VCV003030276.3), dbSNP rs2518395670, ClinGen allele CA412012490.
Genomic context (GRCh38, chrX:5,892,938, plus strand): 5'-GTGTTAAAAGTGTGCAAAGGCTGCATCCCCGTCAGTGTGTTTGGAATCATGGTGATGGTG[T>C]TTGGCGTCATAAGTGGGATGTCATCTGGCGACCGGCGCAGCGTGAGGGTGTAGTCTGGCG-3'
Protein context (NP_851849.1, residues 767-787): SPDDIPLMTP[Asn777Ser]TITMIPNTLT